The following is an entry in ClinVar:

NM_006030.4(CACNA2D2):c.256C>T (p.Arg86Trp)

Gene: CACNA2D2 (calcium voltage-gated channel auxiliary subunit alpha2delta 2; minus strand). Cytogenetic location: 3p21.31.
Variant type: single nucleotide variant.
Coding change: c.256C>T on transcript NM_006030.4 (MANE Select); coding-DNA position 256, C replaced by T.
Protein change: p.Arg86Trp; replaces arginine 86 with tryptophan.
Molecular consequence: missense variant.
Genome position (GRCh38, 1-based): chr3:50,476,150, G>A on the plus strand (C>T on the coding strand, the complement: CACNA2D2 is on the minus strand). VCF-style: chr3-50476150-G-A. GRCh37 (hg19) VCF-style: chr3-50513581-G-A.
Other names: c.256C>T, p.Arg86Trp (NM_001005505.3, NM_001174051.3); c.49C>T, p.Arg17Trp (NM_001291101.1); short protein forms R86W, R17W.
Identifiers: ClinVar variation 572328 (VCV000572328.5), dbSNP rs1486643227, ClinGen allele CA353002566.

ClinVar aggregate classification (germline): Uncertain significance (1 of 4 stars; one submission).

Conditions:
Developmental and epileptic encephalopathy. Identifiers: MedGen C5779964, MONDO:0100620.

Allele frequency attached by ClinVar (database versions not stated): gnomAD 0.00001; gnomAD exomes 0.00001; TOPMed 0.00001.

Submission:

Labcorp Genetics (formerly Invitae), Labcorp
Classification: Uncertain significance for Early-infantile DEE. Last evaluated: 2024-10-24. Review status: criteria provided, single submitter. Criteria: Invitae Variant Classification Sherloc (09022015). Collection method: clinical testing. Allele origin: germline.
Comment: This sequence change replaces arginine, which is basic and polar, with tryptophan, which is neutral and slightly polar, at codon 86 of the CACNA2D2 protein (p.Arg86Trp). The frequency data for this variant in the population databases is considered unreliable, as metrics indicate poor data quality at this position in the gnomAD database. This variant has not been reported in the literature in individuals affected with CACNA2D2-related conditions. ClinVar contains an entry for this variant (Variation ID: 572328). An algorithm developed to predict the effect of missense changes on protein structure and function (PolyPhen-2) suggests that this variant is likely to be disruptive. In summary, the available evidence is currently insufficient to determine the role of this variant in disease. Therefore, it has been classified as a Variant of Uncertain Significance.